The following is an entry in ClinVar:

ClinVar aggregate classification (germline): Uncertain significance (1 of 4 stars; one submission).

Submission:

Labcorp Genetics (formerly Invitae), Labcorp
Classification: Uncertain significance. Last evaluated: 2022-12-15. Review status: criteria provided, single submitter. Criteria: Invitae Variant Classification Sherloc (09022015). Collection method: clinical testing. Allele origin: germline.
Comment: In summary, the available evidence is currently insufficient to determine the role of this variant in disease. Therefore, it has been classified as a Variant of Uncertain Significance. Advanced modeling of protein sequence and biophysical properties (such as structural, functional, and spatial information, amino acid conservation, physicochemical variation, residue mobility, and thermodynamic stability) performed at Invitae indicates that this missense variant is not expected to disrupt POLE protein function. This variant has not been reported in the literature in individuals affected with POLE-related conditions. This variant is not present in population databases (gnomAD no frequency). This sequence change replaces aspartic acid, which is acidic and polar, with glutamic acid, which is acidic and polar, at codon 1882 of the POLE protein (p.Asp1882Glu).

NM_006231.4(POLE):c.5646T>A (p.Asp1882Glu)

Gene: POLE (DNA polymerase epsilon, catalytic subunit; minus strand). Cytogenetic location: 12q24.33.
Variant type: single nucleotide variant.
Coding change: c.5646T>A on transcript NM_006231.4 (MANE Select); coding-DNA position 5646, T replaced by A.
Protein change: p.Asp1882Glu; replaces aspartic acid 1882 with glutamic acid.
Molecular consequence: missense variant.
Genome position (GRCh38, 1-based): chr12:132,638,046, A>T on the plus strand (T>A on the coding strand, the complement: POLE is on the minus strand). VCF-style: chr12-132638046-A-T. GRCh37 (hg19) VCF-style: chr12-133214632-A-T.
Other names: short protein forms D1882E.
Identifiers: ClinVar variation 2820965 (VCV002820965.3), dbSNP rs2138500564, ClinGen allele CA387373999.